The following is an entry in ClinVar:

ClinVar aggregate classification (germline): Pathogenic (1 of 4 stars; one submission).

Conditions:
Congenital lactic acidosis, Saguenay-Lac-Saint-Jean type (MC4DN5). Also called: CYTOCHROME c OXIDASE DEFICIENCY, FRENCH CANADIAN TYPE; COX DEFICIENCY, FRENCH CANADIAN TYPE; MITOCHONDRIAL COMPLEX IV DEFICIENCY, NUCLEAR TYPE 5. Identifiers: Orphanet 70472, MedGen C1857355, MONDO:0009069, OMIM 220111.

Submission:

Myriad Genetics, Inc.
Classification: Pathogenic for Congenital lactic acidosis, Saguenay-Lac-Saint-Jean type. Last evaluated: 2025-03-02. Review status: criteria provided, single submitter. Criteria: Myriad Autosomal Dominant, Autosomal Recessive and X-Linked Classification Criteria (2023). Collection method: clinical testing. Allele origin: unknown.
Comment: NM_133259.3(LRPPRC):c.316C>T(Q106*) is expected to be pathogenic in the context of Leigh syndrome, French-Canadian type. This variant is predicted to lead to an abnormal or absent protein product due to the creation of a premature termination codon in LRPPRC, a gene where loss-of-function variants are known to be pathogenic. Please note: this variant was assessed in the context of healthy population screening.

NM_133259.4(LRPPRC):c.316C>T (p.Gln106Ter)

Gene: LRPPRC (leucine rich pentatricopeptide repeat containing; minus strand). Cytogenetic location: 2p21.
Variant type: single nucleotide variant.
Coding change: c.316C>T on transcript NM_133259.4 (MANE Select); coding-DNA position 316, C replaced by T.
Protein change: p.Gln106Ter; replaces glutamine 106 with a stop codon.
Molecular consequence: nonsense.
Genome position (GRCh38, 1-based): chr2:43,982,268, G>A on the plus strand (C>T on the coding strand, the complement: LRPPRC is on the minus strand). VCF-style: chr2-43982268-G-A. GRCh37 (hg19) VCF-style: chr2-44209407-G-A.
Other names: short protein forms Q106*.
Identifiers: ClinVar variation 5014166 (VCV005014166.1).